The following is an entry in ClinVar:

NM_020937.4(FANCM):c.3113T>C (p.Leu1038Pro)

Gene: FANCM (FA complementation group M; plus strand). Cytogenetic location: 14q21.2.
Variant type: single nucleotide variant.
Coding change: c.3113T>C on transcript NM_020937.4 (MANE Select); coding-DNA position 3113, T replaced by C.
Protein change: p.Leu1038Pro; replaces leucine 1038 with proline.
Molecular consequence: missense variant.
Genome position (GRCh38, 1-based): chr14:45,175,867, T>C. VCF-style: chr14-45175867-T-C. GRCh37 (hg19) VCF-style: chr14-45645070-T-C.
Other names: c.3035T>C, p.Leu1012Pro (NM_001308133.2); short protein forms L1012P, L1038P.
Identifiers: ClinVar variation 1966487 (VCV001966487.6), dbSNP rs2503187356, ClinGen allele CA389599891.
Genomic context (GRCh38, chr14:45,175,867, plus strand): 5'-AGAATTTGCTTTTCTTACCCTGTGCAGAGCATTTACGAAGTGATAAATGCACCTGTTTGC[T>C]GTCACATTCAGCTGTGAATTCTCAACAGAATTTAGAATTGAATTCACTTAAATGTATAAA-3'
Protein context (NP_065988.1, residues 1028-1048): HLRSDKCTCL[Leu1038Pro]SHSAVNSQQN

ClinVar aggregate classification (germline): Uncertain significance. Review status: criteria provided, multiple submitters, no conflicts (2 of 4 stars). 2 submissions from 2 submitters: Uncertain significance (2). Last evaluated 2024-06-14.

Conditions:
Fanconi anemia (FA). Also called: Fanconi's anemia. Identifiers: Orphanet 84, MedGen C0015625, MeSH D005199, MONDO:0019391.

Submissions (2):

GeneDx
Classification: Uncertain significance. Last evaluated: 2024-06-14. Review status: criteria provided, single submitter. Criteria: GeneDx Variant Classification Process June 2021. Collection method: clinical testing. Allele origin: germline. Affected: yes.
Comment: Not observed at significant frequency in large population cohorts (gnomAD); In silico analysis indicates that this missense variant does not alter protein structure/function; Has not been previously published as pathogenic or benign to our knowledge

Labcorp Genetics (formerly Invitae), Labcorp
Classification: Uncertain significance for Fanconi anemia. Last evaluated: 2022-03-23. Review status: criteria provided, single submitter. Criteria: Invitae Variant Classification Sherloc (09022015). Collection method: clinical testing. Allele origin: germline.
Comment: This variant is not present in population databases (gnomAD no frequency). In summary, the available evidence is currently insufficient to determine the role of this variant in disease. Therefore, it has been classified as a Variant of Uncertain Significance. Algorithms developed to predict the effect of missense changes on protein structure and function (SIFT, PolyPhen-2, Align-GVGD) all suggest that this variant is likely to be tolerated. This variant has not been reported in the literature in individuals affected with FANCM-related conditions. This sequence change replaces leucine, which is neutral and non-polar, with proline, which is neutral and non-polar, at codon 1038 of the FANCM protein (p.Leu1038Pro).